The following is an entry in ClinVar:

ClinVar aggregate classification (germline): Pathogenic. Review status: criteria provided, multiple submitters, no conflicts (2 of 4 stars). 2 submissions from 2 submitters: Pathogenic (2). Last evaluated 2025-05-18.

Conditions:
Neurofibromatosis, type 1 (NF1). Also called: VON RECKLINGHAUSEN DISEASE; Peripheral type neurofibromatosis; NEUROFIBROMATOSIS, TYPE I, SOMATIC; Neurofibromatosis, type I. Identifiers: Orphanet 636, MedGen C0027831, MONDO:0018975, OMIM 162200. Disease mechanism: loss of function.

Submissions (2):

Labcorp Genetics (formerly Invitae), Labcorp
Classification: Pathogenic for Neurofibromatosis, type 1. Last evaluated: 2025-05-18. Review status: criteria provided, single submitter. Criteria: Invitae Variant Classification Sherloc (09022015). Collection method: clinical testing. Allele origin: germline.
Comment: This sequence change affects an acceptor splice site in intron 14 of the NF1 gene. RNA analysis indicates that disruption of this splice site induces altered splicing and may result in an absent or altered protein product. This variant is not present in population databases (gnomAD no frequency). Disruption of this splice site has been observed in individual(s) with neurofibromatosis type 1 (PMID: 12807981, 17726231). Invitae Evidence Modeling of clinical and family history, age, sex, and reported ancestry of multiple individuals with this NF1 variant has been performed. This variant is expected to be pathogenic with a positive predictive value of at least 99%. This is a validated machine learning model that incorporates the clinical features of 1,785,918 individuals referred to our laboratory for NF1 testing. This variant is also known as IVS10c-2A>G. ClinVar contains an entry for this variant (Variation ID: 1074691). Studies have shown that disruption of this splice site results in skipping of exon 14 (also known as exon 11), and produces a non-functional protein and/or introduces a premature termination codon (PMID: 12807981). For these reasons, this variant has been classified as Pathogenic.

GeneDx
Classification: Pathogenic. Last evaluated: 2024-02-28. Review status: criteria provided, single submitter. Criteria: GeneDx Variant Classification Process June 2021. Collection method: clinical testing. Allele origin: germline. Affected: yes.
Comment: Published functional studies demonstrate skipping of exon 15, also referred to as exon 11 in the literature (PMID: 12807981, 18546366); Canonical splice site variant predicted to result in a null allele in a gene for which loss of function is a known mechanism of disease; Not observed at significant frequency in large population cohorts (gnomAD); Also known as IVS10c-2A>G; This variant is associated with the following publications: (PMID: 25525159, 18546366, 29471550, 33877690, 12807981, 17726231)

Literature cited by the submitters: PubMed 12807981 (cited by Labcorp Genetics (formerly Invitae), Labcorp); PubMed 17726231 (cited by Labcorp Genetics (formerly Invitae), Labcorp).

NM_001042492.3(NF1):c.1642-2A>G

Gene: NF1 (neurofibromin 1; plus strand). Cytogenetic location: 17q11.2.
Variant type: single nucleotide variant.
Coding change: c.1642-2A>G on transcript NM_001042492.3 (MANE Select); the canonical splice acceptor site of the intron before coding-DNA position 1642, A replaced by G.
Molecular consequence: splice acceptor variant.
Genome position (GRCh38, 1-based): chr17:31,221,848, A>G. VCF-style: chr17-31221848-A-G. GRCh37 (hg19) VCF-style: chr17-29548866-A-G.
Other names: c.1642-2A>G (NM_000267.4, NM_001128147.3).
Identifiers: ClinVar variation 1074691 (VCV001074691.6), dbSNP rs1597706620, ClinGen allele CA399002206.